The following is an entry in ClinVar:

ClinVar aggregate classification (germline): Uncertain significance. Review status: criteria provided, multiple submitters, no conflicts (2 of 4 stars). 2 submissions from 2 submitters: Uncertain significance (2). Last evaluated 2024-10-09.

Conditions:
EEF2-related disorder. Also called: EEF2-related condition.

Allele frequency attached by ClinVar (database versions not stated): gnomAD 0.00001; gnomAD exomes 0.00001; TOPMed 0.00001; ExAC 0.00002.
gnomAD v4.1: 9 of 1,614,112 alleles (0.00056%); highest among the groups gnomAD compares: Admixed American, 0.0083%; no homozygotes.

Submissions (2):

PreventionGenetics, part of Exact Sciences
Classification: Uncertain significance for EEF2-related condition. Last evaluated: 2024-10-09. Review status: criteria provided, single submitter. Criteria: ACMG Guidelines, 2015. Collection method: clinical testing. Allele origin: germline.
Comment: The EEF2 c.948A>G variant is predicted to result in the amino acid substitution p.Ile316Met. To our knowledge, this variant has not been reported in the literature. This variant is reported in 0.012% of alleles in individuals of Latino descent in gnomAD. At this time, the clinical significance of this variant is uncertain due to the absence of conclusive functional and genetic evidence.

Ambry Genetics
Classification: Uncertain significance. Last evaluated: 2021-09-17. Review status: criteria provided, single submitter. Criteria: Ambry Variant Classification Scheme 2023. Collection method: clinical testing. Allele origin: germline.

NM_001961.4(EEF2):c.948A>G (p.Ile316Met)

Gene: EEF2 (eukaryotic translation elongation factor 2; minus strand). Cytogenetic location: 19p13.3.
Variant type: single nucleotide variant.
Coding change: c.948A>G on transcript NM_001961.4 (MANE Select); coding-DNA position 948, A replaced by G.
Protein change: p.Ile316Met; replaces isoleucine 316 with methionine.
Molecular consequence: missense variant.
Genome position (GRCh38, 1-based): chr19:3,981,402, T>C on the plus strand (A>G on the coding strand, the complement: EEF2 is on the minus strand). VCF-style: chr19-3981402-T-C. GRCh37 (hg19) VCF-style: chr19-3981400-T-C.
Other names: short protein forms I316M.
Identifiers: ClinVar variation 2404033 (VCV002404033.3), dbSNP rs781473441, ClinGen allele CA9089074.
Genomic context (GRCh38, chr19:3,981,402, plus strand): 5'-CAGCAGGGGTTTGCCTTCTTTGTCCTTGTCCTCGCTGTCCAGTTTGATGTCCAGTTTCTC[T>C]ATCAGTTTTGCTGTCTCCTCTTTCTTGAAATTCATGATCGCATCAAACACCTACATTCCC-3'
Protein context (NP_001952.1, residues 306-326): NFKKEETAKL[Ile316Met]EKLDIKLDSE